The following is an entry in ClinVar:

ClinVar aggregate classification (germline): Likely pathogenic (1 of 4 stars; one submission).

Conditions:
Hereditary fructosuria. Also called: Fructose intolerance; Hereditary fructose intolerance; ALDOB DEFICIENCY; ALDOLASE B DEFICIENCY; FRUCTOSE-1,6-BISPHOSPHATE ALDOLASE B DEFICIENCY; FRUCTOSE-1-PHOSPHATE ALDOLASE DEFICIENCY. Identifiers: Orphanet 469, MedGen C0016751, MONDO:0009249, OMIM 229600, HP:0005973. Disease mechanism: loss of function.

Submission:

Labcorp Genetics (formerly Invitae), Labcorp
Classification: Likely pathogenic for Hereditary fructosuria. Last evaluated: 2022-09-13. Review status: criteria provided, single submitter. Criteria: Invitae Variant Classification Sherloc (09022015). Collection method: clinical testing. Allele origin: germline.
Comment: This variant is a gross deletion of the genomic region encompassing exon(s) 9 of the ALDOB gene, which includes the termination codon. This deletion extends beyond the assayed region for this gene and therefore may encompass additional genes. While this deletion is not anticipated to lead to nonsense mediated decay, it is expected to alter mRNA translation or result in a truncated protein product. This variant has not been reported in the literature in individuals affected with ALDOB-related conditions. This variant disrupts the p.Ala338 amino acid residue in ALDOB. Other variant(s) that disrupt this residue have been determined to be pathogenic (PMID: 9610797, 10229688, 25595217). This suggests that this residue is clinically significant, and that variants that disrupt this residue are likely to be disease-causing. In summary, the currently available evidence indicates that the variant is pathogenic, but additional data are needed to prove that conclusively. Therefore, this variant has been classified as Likely Pathogenic.

Literature cited by the submitters: PubMed 9610797; PubMed 10229688; PubMed 25595217.

NC_000009.11:g.(?_104184081)_(104184196_?)del

Gene: ALDOB (aldolase, fructose-bisphosphate B; minus strand). Cytogenetic location: 9q31.1.
Variant type: Deletion.
Identifiers: ClinVar variation 1525688 (VCV001525688.5).